The following is an entry in ClinVar:

ClinVar aggregate classification (germline): Conflicting classifications of pathogenicity. Review status: criteria provided, conflicting classifications (1 of 4 stars). 6 submissions from 6 submitters: Uncertain significance (5); Likely benign (1). Last evaluated 2025-08-16.

Conditions:
LAMA4-related disorder. Also called: LAMA4-related condition.
Cardiomyopathy (CMYO). Also called: Cardiomyopathies. Identifiers: Orphanet 167848, MedGen C0878544, MONDO:0004994, HP:0001638. Inheritance: Various modes of inheritance.
Cardiovascular phenotype. Identifiers: MedGen CN230736.
Dilated cardiomyopathy 1JJ (CMD1JJ). Identifiers: Orphanet 154, MedGen C3808935, MONDO:0014095, OMIM 615235.

Allele frequency attached by ClinVar (database versions not stated): TOPMed 0.00002; gnomAD exomes 0.00004 and 0.00005; gnomAD 0.00001; ExAC 0.00002.
gnomAD v4.1: 70 of 1,613,776 alleles (0.0043%); highest among the groups gnomAD compares: Non-Finnish European, 0.0053%; no homozygotes.

Submissions (6):

Labcorp Genetics (formerly Invitae), Labcorp
Classification: Uncertain significance for Dilated cardiomyopathy 1JJ. Last evaluated: 2025-08-16. Review status: criteria provided, single submitter. Criteria: Invitae Variant Classification Sherloc (09022015). Collection method: clinical testing. Allele origin: germline.
Comment: This sequence change replaces leucine, which is neutral and non-polar, with phenylalanine, which is neutral and non-polar, at codon 478 of the LAMA4 protein (p.Leu478Phe). This variant is present in population databases (rs782305599, gnomAD 0.006%). This variant has not been reported in the literature in individuals affected with LAMA4-related conditions. ClinVar contains an entry for this variant (Variation ID: 626733). An algorithm developed to predict the effect of missense changes on protein structure and function outputs the following: PolyPhen-2: "Benign". The phenylalanine amino acid residue is found in multiple mammalian species, which suggests that this missense change does not adversely affect protein function. In summary, the available evidence is currently insufficient to determine the role of this variant in disease. Therefore, it has been classified as a Variant of Uncertain Significance.

Ambry Genetics
Classification: Likely benign for Cardiovascular phenotype. Last evaluated: 2025-01-18. Review status: criteria provided, single submitter. Criteria: Ambry Variant Classification Scheme 2023. Collection method: clinical testing. Allele origin: germline.

PreventionGenetics, part of Exact Sciences
Classification: Uncertain significance for LAMA4-related condition. Last evaluated: 2024-11-15. Review status: criteria provided, single submitter. Criteria: ACMG Guidelines, 2015. Collection method: clinical testing. Allele origin: germline.
Comment: The LAMA4 c.1434G>T variant is predicted to result in the amino acid substitution p.Leu478Phe. To our knowledge, this variant has not been reported in the literature. This variant is reported in 0.0062% of alleles in individuals of European (Non-Finnish) descent in gnomAD. At this time, the clinical significance of this variant is uncertain due to the absence of conclusive functional and genetic evidence.

Fulgent Genetics
Classification: Uncertain significance for Dilated cardiomyopathy 1JJ. Last evaluated: 2021-10-12. Review status: criteria provided, single submitter. Criteria: ACMG Guidelines, 2015. Collection method: clinical testing. Allele origin: unknown.

GeneDx
Classification: Uncertain significance. Last evaluated: 2019-06-18. Review status: criteria provided, single submitter. Criteria: GeneDx Variant Classification Process June 2021. Collection method: clinical testing. Allele origin: germline. Affected: yes.
Comment: Has not been previously published as pathogenic or benign to our knowledge; In silico analysis, which includes protein predictors and evolutionary conservation, supports a deleterious effect

CHEO Genetics Diagnostic Laboratory, Children's Hospital of Eastern Ontario
Classification: Uncertain significance for Cardiomyopathy. Last evaluated: 2016-09-07. Review status: criteria provided, single submitter. Criteria: ACMG Guidelines, 2015. Collection method: clinical testing. Allele origin: germline. Study: Canadian Open Genetics Repository.

NM_001105206.3(LAMA4):c.1455G>T (p.Leu485Phe)

Gene: LAMA4 (laminin subunit alpha 4; minus strand). Cytogenetic location: 6q21.
Variant type: single nucleotide variant.
Coding change: c.1455G>T on transcript NM_001105206.3 (MANE Select); coding-DNA position 1455, G replaced by T.
Protein change: p.Leu485Phe; replaces leucine 485 with phenylalanine.
Molecular consequence: missense variant.
Genome position (GRCh38, 1-based): chr6:112,172,707, C>A on the plus strand (G>T on the coding strand, the complement: LAMA4 is on the minus strand). VCF-style: chr6-112172707-C-A. GRCh37 (hg19) VCF-style: chr6-112493909-C-A.
Other names: c.1434G>T (NM_002290.4); c.1434G>T, p.Leu478Phe (NM_001105207.3, NM_002290.5); short protein forms L478F, L485F.
Identifiers: ClinVar variation 626733 (VCV000626733.14), dbSNP rs782305599, ClinGen allele CA3965768.